The following is an entry in ClinVar:

ClinVar aggregate classification (germline): Uncertain significance. Review status: criteria provided, multiple submitters, no conflicts (2 of 4 stars). 2 submissions from 2 submitters: Uncertain significance (2). Last evaluated 2025-02-06.

Conditions:
Cardiovascular phenotype. Identifiers: MedGen CN230736.
Dilated cardiomyopathy 1JJ (CMD1JJ). Identifiers: Orphanet 154, MedGen C3808935, MONDO:0014095, OMIM 615235.

Allele frequency attached by ClinVar (database versions not stated): gnomAD 0.00001; gnomAD exomes 0.00001 and 0.00002; TOPMed 0.00002.
gnomAD v4.1: 11 of 1,613,822 alleles (0.00068%); highest among the groups gnomAD compares: Non-Finnish European, 0.00093%; no homozygotes.

Submissions (2):

Ambry Genetics
Classification: Uncertain significance for Cardiovascular phenotype. Last evaluated: 2025-02-06. Review status: criteria provided, single submitter. Criteria: Ambry Variant Classification Scheme 2023. Collection method: clinical testing. Allele origin: germline.
Comment: The p.S479T variant (also known as c.1435T>A), located in coding exon 11 of the LAMA4 gene, results from a T to A substitution at nucleotide position 1435. The serine at codon 479 is replaced by threonine, an amino acid with similar properties. This amino acid position is well conserved in available vertebrate species; however, threonine is the reference amino acid in other vertebrate species. In addition, this alteration is predicted to be tolerated by in silico analysis. Since supporting evidence is limited at this time, the clinical significance of this alteration remains unclear.

Labcorp Genetics (formerly Invitae), Labcorp
Classification: Uncertain significance for Dilated cardiomyopathy 1JJ. Last evaluated: 2022-07-05. Review status: criteria provided, single submitter. Criteria: Invitae Variant Classification Sherloc (09022015). Collection method: clinical testing. Allele origin: germline.
Comment: Algorithms developed to predict the effect of missense changes on protein structure and function are either unavailable or do not agree on the potential impact of this missense change (SIFT: "Deleterious"; PolyPhen-2: "Benign"; Align-GVGD: "Class C0"). ClinVar contains an entry for this variant (Variation ID: 849150). This variant has not been reported in the literature in individuals affected with LAMA4-related conditions. This variant is present in population databases (no rsID available, gnomAD 0.003%). This sequence change replaces serine, which is neutral and polar, with threonine, which is neutral and polar, at codon 479 of the LAMA4 protein (p.Ser479Thr). In summary, the available evidence is currently insufficient to determine the role of this variant in disease. Therefore, it has been classified as a Variant of Uncertain Significance.

NM_001105206.3(LAMA4):c.1456T>A (p.Ser486Thr)

Gene: LAMA4 (laminin subunit alpha 4; minus strand). Cytogenetic location: 6q21.
Variant type: single nucleotide variant.
Coding change: c.1456T>A on transcript NM_001105206.3 (MANE Select); coding-DNA position 1456, T replaced by A.
Protein change: p.Ser486Thr; replaces serine 486 with threonine.
Molecular consequence: missense variant.
Genome position (GRCh38, 1-based): chr6:112,172,706, A>T on the plus strand (T>A on the coding strand, the complement: LAMA4 is on the minus strand). VCF-style: chr6-112172706-A-T. GRCh37 (hg19) VCF-style: chr6-112493908-A-T.
Other names: c.1435T>A, p.Ser479Thr (NM_001105207.3, NM_002290.5); short protein forms S479T, S486T.
Identifiers: ClinVar variation 849150 (VCV000849150.12), dbSNP rs1419996220, ClinGen allele CA365370687.